The following is an entry in ClinVar:

NM_145046.5(CALR3):c.1003G>A (p.Glu335Lys)

Gene: CALR3 (calreticulin 3; minus strand). Cytogenetic location: 19p13.11.
Variant type: single nucleotide variant.
Coding change: c.1003G>A on transcript NM_145046.5 (MANE Select); coding-DNA position 1003, G replaced by A.
Protein change: p.Glu335Lys; replaces glutamic acid 335 with lysine.
Molecular consequence: missense variant.
Genome position (GRCh38, 1-based): chr19:16,480,622, C>T on the plus strand (G>A on the coding strand, the complement: CALR3 is on the minus strand). VCF-style: chr19-16480622-C-T. GRCh37 (hg19) VCF-style: chr19-16591433-C-T.
Other names: c.1003G>A (NM_145046.3); short protein forms E335K.
Identifiers: ClinVar variation 471786 (VCV000471786.11), dbSNP rs199535524, ClinGen allele CA9278218.
Genomic context (GRCh38, chr19:16,480,622, plus strand): 5'-ATTTACACAAATGAAATAGTGATGTAGGAAGAGTTAATCACGTGCTTCATACCTTGGTTT[C>T]GCCCCAGGTGGCCTTGCCAAAATTATCTGCGTACTCTTCATCATCTGTGATCAGAAAGTT-3'
Protein context (NP_659483.2, residues 325-345): ADNFGKATWG[Glu335Lys]TKGPEREMDA

ClinVar aggregate classification (germline): Uncertain significance. Review status: criteria provided, multiple submitters, no conflicts (2 of 4 stars). 2 submissions from 2 submitters: Uncertain significance (2). Last evaluated 2023-10-22.

Conditions:
Hypertrophic cardiomyopathy 19. Also called: Familial hypertrophic cardiomyopathy 19. Identifiers: MedGen CN077603, MONDO:0013476.

Allele frequency attached by ClinVar (database versions not stated): ExAC 0.00001; gnomAD exomes 0.00003; TOPMed 0.00004; gnomAD 0.00005 and 0.00006; ESP Exome Variant Server 0.00015.
gnomAD v4.1: 57 of 1,609,196 alleles (0.0035%); highest among the groups gnomAD compares: Middle Eastern, 0.016%; no homozygotes.

Submissions (2):

Labcorp Genetics (formerly Invitae), Labcorp
Classification: Uncertain significance for Hypertrophic cardiomyopathy 19. Last evaluated: 2023-10-22. Review status: criteria provided, single submitter. Criteria: Invitae Variant Classification Sherloc (09022015). Collection method: clinical testing. Allele origin: germline.
Comment: This sequence change replaces glutamic acid, which is acidic and polar, with lysine, which is basic and polar, at codon 335 of the CALR3 protein (p.Glu335Lys). This variant is present in population databases (rs199535524, gnomAD 0.002%). This variant has not been reported in the literature in individuals affected with CALR3-related conditions. ClinVar contains an entry for this variant (Variation ID: 471786). Advanced modeling of protein sequence and biophysical properties (such as structural, functional, and spatial information, amino acid conservation, physicochemical variation, residue mobility, and thermodynamic stability) performed at Invitae indicates that this missense variant is not expected to disrupt CALR3 protein function. In summary, the available evidence is currently insufficient to determine the role of this variant in disease. Therefore, it has been classified as a Variant of Uncertain Significance.

Ambry Genetics
Classification: Uncertain significance. Last evaluated: 2023-07-19. Review status: criteria provided, single submitter. Criteria: Ambry Variant Classification Scheme 2023. Collection method: clinical testing. Allele origin: germline.